The following is an entry in ClinVar:

NM_017617.5(NOTCH1):c.5892G>A (p.Pro1964=)

Gene: NOTCH1 (notch receptor 1; minus strand). Cytogenetic location: 9q34.3.
Variant type: single nucleotide variant.
Coding change: c.5892G>A on transcript NM_017617.5 (MANE Select); coding-DNA position 5892, G replaced by A.
Protein change: p.Pro1964=; no amino-acid change (proline 1964 retained).
Molecular consequence: synonymous variant.
Genome position (GRCh38, 1-based): chr9:136,500,594, C>T on the plus strand (G>A on the coding strand, the complement: NOTCH1 is on the minus strand). VCF-style: chr9-136500594-C-T. GRCh37 (hg19) VCF-style: chr9-139395046-C-T.
Other names: c.5892G>A, p.Pro1964= (LRG_1122t1).
Identifiers: ClinVar variation 509179 (VCV000509179.39), dbSNP rs769135138, ClinGen allele CA5340111.

ClinVar aggregate classification (germline): Likely benign. Review status: criteria provided, multiple submitters, no conflicts (2 of 4 stars). 7 submissions from 6 submitters: Likely benign (7). Last evaluated 2025-10-27.

Conditions:
Aortic valve disease 1 (AOVD1). Identifiers: MedGen C3887892, MONDO:0024523, OMIM 109730.
Adams-Oliver syndrome 5 (AOS5). Identifiers: Orphanet 974, MedGen C4014970, MONDO:0014459, OMIM 616028.
Familial thoracic aortic aneurysm and aortic dissection (TAAD). Also called: Thoracic aortic aneurysms and dissections. Identifiers: Orphanet 91387, MedGen C4707243, MONDO:0019625.

Allele frequency attached by ClinVar (database versions not stated): TOPMed 0.00002; gnomAD 0.00003.
gnomAD v4.1: 76 of 1,611,798 alleles (0.0047%); highest among the groups gnomAD compares: Non-Finnish European, 0.0059%; no homozygotes.

Submissions (7):

Labcorp Genetics (formerly Invitae), Labcorp
Classification: Likely benign for Adams-Oliver syndrome 5. Last evaluated: 2025-10-27. Review status: criteria provided, single submitter. Criteria: Invitae Variant Classification Sherloc (09022015). Collection method: clinical testing. Allele origin: germline.

CeGaT Center for Human Genetics Tuebingen
Classification: Likely benign. Last evaluated: 2023-06-01. Review status: criteria provided, single submitter. Criteria: CeGaT Center For Human Genetics Tuebingen Variant Classification Criteria Version 2. Collection method: clinical testing. Allele origin: germline. Affected: yes. Observed: 1 variant allele.
Comment: NOTCH1: BP4, BP7

Blueprint Genetics
Classification: Likely benign. Last evaluated: 2022-12-02. Review status: criteria provided, single submitter. Criteria: ACMG Guidelines, 2015. Collection method: clinical testing. Allele origin: germline.

Genome-Nilou Lab
Classification: Likely benign for Adams-Oliver syndrome 5. Last evaluated: 2022-03-15. Review status: criteria provided, single submitter. Criteria: ACMG Guidelines, 2015. Collection method: clinical testing. Allele origin: germline. Affected: no.

Genome-Nilou Lab
Classification: Likely benign for Aortic valve disease 1. Last evaluated: 2022-03-15. Review status: criteria provided, single submitter. Criteria: ACMG Guidelines, 2015. Collection method: clinical testing. Allele origin: germline. Affected: no.

Ambry Genetics
Classification: Likely benign for Familial thoracic aortic aneurysm and aortic dissection. Last evaluated: 2021-09-22. Review status: criteria provided, single submitter. Criteria: Ambry Variant Classification Scheme 2023. Collection method: clinical testing. Allele origin: germline.

GeneDx
Classification: Likely benign. Last evaluated: 2021-03-02. Review status: criteria provided, single submitter. Criteria: GeneDx Variant Classification Process June 2021. Collection method: clinical testing. Allele origin: germline. Affected: yes.